The following is an entry in ClinVar:

NM_021254.4(CFAP298):c.124C>G (p.Gln42Glu)

Genes: CFAP298 (cilia and flagella associated protein 298; minus strand), CFAP298-TCP10L (CFAP298-TCP10L readthrough; minus strand). Cytogenetic location: 21q22.11.
Variant type: single nucleotide variant.
Coding change: c.124C>G on transcript NM_021254.4 (MANE Select); coding-DNA position 124, C replaced by G.
Protein change: p.Gln42Glu; replaces glutamine 42 with glutamic acid.
Molecular consequence: missense variant. On other transcripts: non-coding transcript variant (2), 5 prime UTR variant (1).
Genome position (GRCh38, 1-based): chr21:32,612,120, G>C on the plus strand (C>G on the coding strand, the complement: CFAP298 is on the minus strand). VCF-style: chr21-32612120-G-C. GRCh37 (hg19) VCF-style: chr21-33984430-G-C.
Other names: c.124C>G, p.Gln42Glu (NM_001350338.2, NM_001350335.2, NM_001350336.2 and 1 more transcripts); c.-106C>G (NM_001350334.2); short protein forms Q42E.
Identifiers: ClinVar variation 4759840 (VCV004759840.1).

ClinVar aggregate classification (germline): Uncertain significance (1 of 4 stars; one submission).

gnomAD v4.1: 6 of 1,557,704 alleles (0.00039%); highest among the groups gnomAD compares: Non-Finnish European, 0.00052%; no homozygotes.

Submission:

Labcorp Genetics (formerly Invitae), Labcorp
Classification: Uncertain significance. Last evaluated: 2025-10-26. Review status: criteria provided, single submitter. Criteria: Invitae Variant Classification Sherloc (09022015). Collection method: clinical testing. Allele origin: germline.
Comment: This sequence change replaces glutamine, which is neutral and polar, with glutamic acid, which is acidic and polar, at codon 42 of the CFAP298 protein (p.Gln42Glu). This variant is not present in population databases (gnomAD no frequency). This variant has not been reported in the literature in individuals affected with CFAP298-related conditions. An algorithm developed to predict the effect of missense changes on protein structure and function outputs the following: PolyPhen-2: "Benign". The glutamic acid amino acid residue is found in multiple mammalian species, which suggests that this missense change does not adversely affect protein function. In summary, the available evidence is currently insufficient to determine the role of this variant in disease. Therefore, it has been classified as a Variant of Uncertain Significance.